The following is an entry in ClinVar:

NM_001267550.2(TTN):c.100367del (p.Asn33456fs)

Genes: TTN (titin; minus strand), TTN-AS1 (TTN antisense RNA 1; plus strand), LOC126806420 (BRD4-independent group 4 enhancer GRCh37_chr2:179401104-179402303; plus strand). Cytogenetic location: 2q31.2.
Variant type: Deletion.
Coding change: c.100367del on transcript NM_001267550.2 (MANE Select); coding-DNA position 100367, one base deleted (A; older notation c.100367delA).
Protein change: p.Asn33456fs; shifts the reading frame from asparagine 33456.
Molecular consequence: frameshift variant.
Genome position (GRCh38, 1-based): chr2:178,536,380, T deleted on the plus strand (A on the coding strand, the reverse complement: TTN is on the minus strand); the first of 5 consecutive T bases (chr2:178,536,380-178,536,384); deleting any one gives the same sequence. VCF-style (leftmost placement, unchanged base first): chr2-178536379-GT-G. GRCh37 (hg19) VCF-style: chr2-179401106-GT-G.
Other names: c.95444del, p.Asn31815fs (NM_001256850.1); c.73172del, p.Asn24391fs (NM_003319.4); c.92663del, p.Asn30888fs (NM_133378.4); c.73547del, p.Asn24516fs (NM_133432.3); c.73748del, p.Asn24583fs (NM_133437.4); short protein forms N24391fs, N24583fs, N24516fs, N30888fs, N31815fs, N33456fs.
Identifiers: ClinVar variation 1516210 (VCV001516210.8), dbSNP rs2154137422, ClinGen allele CA2573134073.

ClinVar aggregate classification (germline): Likely pathogenic (1 of 4 stars; one submission).

Conditions:
Dilated cardiomyopathy 1G (CMD1G). Identifiers: Orphanet 154, MedGen C1858763, MONDO:0011400, OMIM 604145.
Autosomal recessive limb-girdle muscular dystrophy type 2J (LGMDR10). Also called: Limb-girdle muscular dystrophy, type 2J; MUSCULAR DYSTROPHY, LIMB-GIRDLE, AUTOSOMAL RECESSIVE 10. Identifiers: Orphanet 140922, MedGen C1837342, MONDO:0012127, OMIM 608807.

Submission:

Labcorp Genetics (formerly Invitae), Labcorp
Classification: Likely pathogenic for Dilated cardiomyopathy 1G; Autosomal recessive limb-girdle muscular dystrophy type 2J. Last evaluated: 2021-08-03. Review status: criteria provided, single submitter. Criteria: Invitae Variant Classification Sherloc (09022015). Collection method: clinical testing. Allele origin: germline.
Comment: This variant is not present in population databases (ExAC no frequency). This sequence change creates a premature translational stop signal (p.Asn33456Thrfs*12) in the TTN gene. While this is not anticipated to result in nonsense mediated decay, it is expected to create a truncated TTN protein. This variant has not been reported in the literature in individuals with TTN-related conditions. This variant is located in the A band of TTN (PMID: 25589632). Truncating variants in this region are significantly overrepresented in patients affected with dilated cardiomyopathy (PMID: 25589632). Truncating variants in this region have also been reported in individuals affected with autosomal recessive centronuclear myopathy (PMID: 23975875). In summary, the currently available evidence indicates that the variant is pathogenic, but additional data are needed to prove that conclusively. Therefore, this variant has been classified as Likely Pathogenic.

Literature cited by the submitters: PubMed 25589632; PubMed 23975875.